The following is an entry in ClinVar:

ClinVar aggregate classification (germline): Uncertain significance (1 of 4 stars; one submission).

Allele frequency attached by ClinVar (database versions not stated): gnomAD 0.00002; gnomAD exomes 0.00003 and 0.00004; TOPMed 0.00003; ExAC 0.00007.

Submission:

Labcorp Genetics (formerly Invitae), Labcorp
Classification: Uncertain significance. Last evaluated: 2024-04-22. Review status: criteria provided, single submitter. Criteria: Invitae Variant Classification Sherloc (09022015). Collection method: clinical testing. Allele origin: germline.
Comment: This sequence change replaces threonine, which is neutral and polar, with alanine, which is neutral and non-polar, at codon 180 of the INPPL1 protein (p.Thr180Ala). This variant is present in population databases (rs780137670, gnomAD 0.009%). This variant has not been reported in the literature in individuals affected with INPPL1-related conditions. ClinVar contains an entry for this variant (Variation ID: 1518754). An algorithm developed to predict the effect of missense changes on protein structure and function (PolyPhen-2) suggests that this variant is likely to be tolerated. In summary, the available evidence is currently insufficient to determine the role of this variant in disease. Therefore, it has been classified as a Variant of Uncertain Significance.

NM_001567.4(INPPL1):c.538A>G (p.Thr180Ala)

Gene: INPPL1 (inositol polyphosphate phosphatase like 1; plus strand). Cytogenetic location: 11q13.4.
Variant type: single nucleotide variant.
Coding change: c.538A>G on transcript NM_001567.4 (MANE Select); coding-DNA position 538, A replaced by G.
Protein change: p.Thr180Ala; replaces threonine 180 with alanine.
Molecular consequence: missense variant.
Genome position (GRCh38, 1-based): chr11:72,229,109, A>G. VCF-style: chr11-72229109-A-G. GRCh37 (hg19) VCF-style: chr11-71940153-A-G.
Other names: short protein forms T180A.
Identifiers: ClinVar variation 1518754 (VCV001518754.7), dbSNP rs780137670, ClinGen allele CA6169703.